The following is an entry in ClinVar:

ClinVar aggregate classification (germline): Pathogenic (1 of 4 stars; one submission).

Conditions:
Familial thoracic aortic aneurysm and aortic dissection (TAAD). Also called: Thoracic aortic aneurysms and dissections. Identifiers: Orphanet 91387, MedGen C4707243, MONDO:0019625.
Marfan syndrome (MFS). Also called: Marfan syndrome type 1; Marfan's syndrome; Marfan syndrome, classic; MARFAN SYNDROME, TYPE I; FBN1-Related Marfan Syndrome. Identifiers: Orphanet 284963, Orphanet 558, MedGen C0024796, MONDO:0007947, OMIM 154700.

Allele frequency attached by ClinVar (database versions not stated): gnomAD exomes below 0.00001.
gnomAD v4.1: 1 of 1,614,202 alleles (0.000062%); highest among the groups gnomAD compares: Non-Finnish European, 0.000085%; no homozygotes.

Submission:

Labcorp Genetics (formerly Invitae), Labcorp
Classification: Pathogenic for Marfan syndrome; Familial thoracic aortic aneurysm and aortic dissection. Last evaluated: 2022-08-24. Review status: criteria provided, single submitter. Criteria: Invitae Variant Classification Sherloc (09022015). Collection method: clinical testing. Allele origin: germline.
Comment: For these reasons, this variant has been classified as Pathogenic. This variant affects a cysteine residue in the EGF-like, TGFBP or hybrid motif domains of FBN1. Cysteine residues are believed to be involved in intramolecular disulfide bridges and have been shown to be important for FBN1 protein structure (PMID: 16905551, 19349279). In addition, missense substitutions affecting cysteine residues within these domains are significantly overrepresented among patients with Marfan syndrome (PMID: 16571647, 17701892). Advanced modeling of protein sequence and biophysical properties (such as structural, functional, and spatial information, amino acid conservation, physicochemical variation, residue mobility, and thermodynamic stability) performed at Invitae indicates that this missense variant is expected to disrupt FBN1 protein function. ClinVar contains an entry for this variant (Variation ID: 1073880). This missense change has been observed in individual(s) with Marfan syndrome (PMID: 23592911). It has also been observed to segregate with disease in related individuals. This variant is present in population databases (no rsID available, gnomAD 0.0009%). This sequence change replaces cysteine, which is neutral and slightly polar, with tyrosine, which is neutral and polar, at codon 637 of the FBN1 protein (p.Cys637Tyr).

Literature cited by the submitters: PubMed 16905551; PubMed 19349279; PubMed 16571647; PubMed 17701892; PubMed 23592911.

NM_000138.5(FBN1):c.1910G>A (p.Cys637Tyr)

Gene: FBN1 (fibrillin 1; minus strand). Cytogenetic location: 15q21.1.
Variant type: single nucleotide variant.
Coding change: c.1910G>A on transcript NM_000138.5 (MANE Select); coding-DNA position 1910, G replaced by A.
Protein change: p.Cys637Tyr; replaces cysteine 637 with tyrosine.
Molecular consequence: missense variant.
Genome position (GRCh38, 1-based): chr15:48,505,075, C>T on the plus strand (G>A on the coding strand, the complement: FBN1 is on the minus strand). VCF-style: chr15-48505075-C-T. GRCh37 (hg19) VCF-style: chr15-48797272-C-T.
Other names: short protein forms C637Y.
Identifiers: ClinVar variation 1073880 (VCV001073880.9), dbSNP rs1478695794, ClinGen allele CA392339055.